The following is an entry in ClinVar:

ClinVar aggregate classification (germline): Pathogenic. Review status: criteria provided, multiple submitters, no conflicts (2 of 4 stars). 3 submissions from 3 submitters: Pathogenic (3). Last evaluated 2025-04-10.

Conditions:
ACAN-related disorder. Also called: ACAN-related disorders; ACAN-related condition.
Short stature and advanced bone age, with or without early-onset osteoarthritis and/or osteochondritis dissecans (SSOAOD). Identifiers: Orphanet 251262, MedGen C3665488, MONDO:0100462, OMIM 165800.

Submissions (3):

3billion
Classification: Pathogenic for Short stature and advanced bone age, with or without early-onset osteoarthritis and/or osteochondritis dissecans. Last evaluated: 2025-04-10. Review status: criteria provided, single submitter. Criteria: ACMG Guidelines, 2015. Collection method: clinical testing. Allele origin: germline. Affected: yes.
Comment: The variant is not observed in the gnomAD v4.1.0 dataset. Predicted Consequence/Location: Stop-gained (nonsense): predicted to result in a loss or disruption of normal protein function through nonsense-mediated decay (NMD) or protein truncation. Multiple pathogenic variants are reported downstream of the variant. The variant has been reported to be associated with ACAN-related disorder (ClinVar ID: VCV002768773). Therefore, this variant is classified as Pathogenic according to the recommendation of ACMG/AMP guideline.

Labcorp Genetics (formerly Invitae), Labcorp
Classification: Pathogenic. Last evaluated: 2025-02-24. Review status: criteria provided, single submitter. Criteria: Invitae Variant Classification Sherloc (09022015). Collection method: clinical testing. Allele origin: germline.
Comment: This sequence change creates a premature translational stop signal (p.Arg236*) in the ACAN gene. It is expected to result in an absent or disrupted protein product. Loss-of-function variants in ACAN are known to be pathogenic (PMID: 16080123, 24762113). This variant is not present in population databases (gnomAD no frequency). This premature translational stop signal has been observed in individual(s) with short stature (PMID: 38087044). ClinVar contains an entry for this variant (Variation ID: 2768773). For these reasons, this variant has been classified as Pathogenic.

Blueprint Genetics
Classification: Pathogenic for ACAN-related disorders. Last evaluated: 2024-08-23. Review status: criteria provided, single submitter. Criteria: ACMG Guidelines, 2015. Collection method: clinical testing. Allele origin: germline. Affected: yes. Observed: 1 variant allele.

Literature cited by the submitters: PubMed 16080123 (cited by Labcorp Genetics (formerly Invitae), Labcorp); PubMed 24762113 (cited by Labcorp Genetics (formerly Invitae), Labcorp); PubMed 38087044 (cited by Labcorp Genetics (formerly Invitae), Labcorp).

NM_001369268.1(ACAN):c.706C>T (p.Arg236Ter)

Gene: ACAN (aggrecan; plus strand). Cytogenetic location: 15q26.1.
Variant type: single nucleotide variant.
Coding change: c.706C>T on transcript NM_001369268.1 (MANE Select); coding-DNA position 706, C replaced by T.
Protein change: p.Arg236Ter; replaces arginine 236 with a stop codon.
Molecular consequence: nonsense.
Genome position (GRCh38, 1-based): chr15:88,841,816, C>T. VCF-style: chr15-88841816-C-T. GRCh37 (hg19) VCF-style: chr15-89385047-C-T.
Other names: c.706C>T, p.Arg236Ter (NM_001135.4, NM_001411096.1, NM_001411097.1 and 1 more transcripts); short protein forms R236*.
Identifiers: ClinVar variation 2768773 (VCV002768773.5), dbSNP rs2505241670, ClinGen allele CA393705911.